The following is an entry in ClinVar:

ClinVar aggregate classification (germline): Uncertain significance (1 of 4 stars; one submission).

Conditions:
MHC class II deficiency. Also called: BLS, TYPE II; Bare lymphocyte syndrome 2. Identifiers: Orphanet 572, MedGen C5447452, MONDO:0008855.

Allele frequency attached by ClinVar (database versions not stated): gnomAD exomes 0.00001; TOPMed 0.00001; ExAC 0.00002.

Submission:

Labcorp Genetics (formerly Invitae), Labcorp
Classification: Uncertain significance for MHC class II deficiency. Last evaluated: 2021-09-01. Review status: criteria provided, single submitter. Criteria: Invitae Variant Classification Sherloc (09022015). Collection method: clinical testing. Allele origin: germline.
Comment: This sequence change replaces histidine with asparagine at codon 244 of the RFX5 protein (p.His244Asn). The histidine residue is weakly conserved and there is a small physicochemical difference between histidine and asparagine. This variant is present in population databases (rs754211715, ExAC 0.02%). This variant has not been reported in the literature in individuals affected with RFX5-related conditions. Algorithms developed to predict the effect of missense changes on protein structure and function output the following: SIFT: "Tolerated"; PolyPhen-2: "Benign"; Align-GVGD: "Class C0". The asparagine amino acid residue is found in multiple mammalian species, which suggests that this missense change does not adversely affect protein function. In summary, the available evidence is currently insufficient to determine the role of this variant in disease. Therefore, it has been classified as a Variant of Uncertain Significance.

NM_001025603.2(RFX5):c.730C>A (p.His244Asn)

Gene: RFX5 (regulatory factor X5; minus strand). Cytogenetic location: 1q21.3.
Variant type: single nucleotide variant.
Coding change: c.730C>A on transcript NM_001025603.2 (MANE Select); coding-DNA position 730, C replaced by A.
Protein change: p.His244Asn; replaces histidine 244 with asparagine.
Molecular consequence: missense variant.
Genome position (GRCh38, 1-based): chr1:151,343,708, G>T on the plus strand (C>A on the coding strand, the complement: RFX5 is on the minus strand). VCF-style: chr1-151343708-G-T. GRCh37 (hg19) VCF-style: chr1-151316184-G-T.
Other names: c.610C>A, p.His204Asn (NM_001379419.1, NM_001379420.1); c.730C>A, p.His244Asn (NM_000449.4, NM_001379412.1, NM_001379413.1 and 5 more transcripts); short protein forms H204N, H244N.
Identifiers: ClinVar variation 1395131 (VCV001395131.5), dbSNP rs754211715, ClinGen allele CA1089770.